The following is an entry in ClinVar:

ClinVar aggregate classification (germline): Uncertain significance (1 of 4 stars; one submission).

Conditions:
L1CAM-related disorder. Also called: L1CAM-related condition.

Submission:

PreventionGenetics, part of Exact Sciences
Classification: Uncertain significance for L1CAM-related condition. Last evaluated: 2025-11-21. Review status: criteria provided, single submitter. Criteria: ACMG Guidelines, 2015. Collection method: clinical testing. Allele origin: germline.
Comment: The L1CAM c.1509A>C variant is predicted to result in the amino acid substitution p.Gln503His. To our knowledge, this variant has not been reported in the literature or in a large population database (gnomAD), indicating this variant is rare. At this time, the clinical significance of this variant is uncertain due to the absence of conclusive functional and genetic evidence.

NM_001278116.2(L1CAM):c.1509A>C (p.Gln503His)

Gene: L1CAM (L1 cell adhesion molecule; minus strand). Cytogenetic location: Xq28.
Variant type: single nucleotide variant.
Coding change: c.1509A>C on transcript NM_001278116.2 (MANE Select); coding-DNA position 1509, A replaced by C.
Protein change: p.Gln503His; replaces glutamine 503 with histidine.
Molecular consequence: missense variant.
Genome position (GRCh38, 1-based): chrX:153,868,598, T>G on the plus strand (A>C on the coding strand, the complement: L1CAM is on the minus strand). VCF-style: chrX-153868598-T-G. GRCh37 (hg19) VCF-style: chrX-153134053-T-G.
Other names: c.1509A>C, p.Gln503His (NM_000425.5, NM_024003.3); c.1494A>C, p.Gln498His (NM_001143963.2); short protein forms Q498H, Q503H.
Identifiers: ClinVar variation 4985375 (VCV004985375.1).